The following is an entry in ClinVar:

NM_001105206.3(LAMA4):c.967-228C>A

Gene: LAMA4 (laminin subunit alpha 4; minus strand). Cytogenetic location: 6q21.
Variant type: single nucleotide variant.
Coding change: c.967-228C>A on transcript NM_001105206.3 (MANE Select); 228 bases into the intron before coding-DNA position 967, C replaced by A.
Molecular consequence: intron variant.
Genome position (GRCh38, 1-based): chr6:112,185,575, G>T on the plus strand (C>A on the coding strand, the complement: LAMA4 is on the minus strand). VCF-style: chr6-112185575-G-T. GRCh37 (hg19) VCF-style: chr6-112506777-G-T.
Other names: c.946-228C>A (NM_002290.5, NM_001105207.3).
Identifiers: ClinVar variation 679827 (VCV000679827.1), dbSNP rs112283791, ClinGen allele CA144883290.

ClinVar aggregate classification (germline): Likely benign (1 of 4 stars; one submission).

Allele frequency attached by ClinVar (database versions not stated): gnomAD 0.00377 and 0.00405; TOPMed 0.00413; 1000 Genomes Project 0.00419; 1000 Genomes Project 30x 0.00437.
gnomAD v4.1: 571 of 152,280 alleles (0.37%); highest among the groups gnomAD compares: African/African-American, 1.3%; 8 homozygotes.

Submission:

GeneDx
Classification: Likely benign. Last evaluated: 2018-06-19. Review status: criteria provided, single submitter. Criteria: GeneDx Variant Classification (06012015). Collection method: clinical testing. Allele origin: germline. Affected: yes.
Comment: This variant is considered likely benign or benign based on one or more of the following criteria: it is a conservative change, it occurs at a poorly conserved position in the protein, it is predicted to be benign by multiple in silico algorithms, and/or has population frequency not consistent with disease.